The following is an entry in ClinVar:

NM_004284.6(CHD1L):c.2284C>G (p.Pro762Ala)

Gene: CHD1L (chromodomain helicase DNA binding protein 1 like; plus strand). Cytogenetic location: 1q21.1.
Variant type: single nucleotide variant.
Coding change: c.2284C>G on transcript NM_004284.6 (MANE Select); coding-DNA position 2284, C replaced by G.
Protein change: p.Pro762Ala; replaces proline 762 with alanine.
Molecular consequence: missense variant. On other transcripts: non-coding transcript variant (16).
Genome position (GRCh38, 1-based): chr1:147,287,697, C>G. VCF-style: chr1-147287697-C-G. GRCh37 (hg19) VCF-style: chr1-146759376-C-G.
Other names: c.1441C>G, p.Pro481Ala (NM_001348464.2, NM_001348465.2, NM_001348466.2 and 9 more transcripts); c.1945C>G, p.Pro649Ala (NM_024568.4, NM_001348453.2); c.1984C>G, p.Pro662Ala (NM_001256336.3); c.1672C>G, p.Pro558Ala (NM_001256338.3); c.2068C>G, p.Pro690Ala (NM_001348451.2, NM_001348452.2); c.1828C>G, p.Pro610Ala (NM_001348454.2); c.1795C>G, p.Pro599Ala (NM_001348455.2); short protein forms P481A, P558A, P599A, P610A, P649A, P662A, P690A, P762A.
Identifiers: ClinVar variation 3257521 (VCV003257521.17).

ClinVar aggregate classification (germline): Uncertain significance (1 of 4 stars; one submission).

gnomAD v4.1: 35 of 1,613,648 alleles (0.0022%); highest among the groups gnomAD compares: East Asian, 0.018%; no homozygotes.

Submission:

CeGaT Center for Human Genetics Tuebingen
Classification: Uncertain significance. Last evaluated: 2024-07-01. Review status: criteria provided, single submitter. Criteria: CeGaT Center For Human Genetics Tuebingen Variant Classification Criteria Version 2. Collection method: clinical testing. Allele origin: germline. Affected: yes. Observed: 1 variant allele.
Comment: CHD1L: PM2, BP4, BP5